The following is an entry in ClinVar:

ClinVar aggregate classification (germline): Conflicting classifications of pathogenicity. Review status: criteria provided, conflicting classifications (1 of 4 stars). 13 submissions from 13 submitters: Uncertain significance (1); Benign (1); Likely benign (10). 1 of the submissions does not count toward it. Last evaluated 2026-05-20.

Conditions:
NF1-related disorder. Also called: NF1-related condition. Identifiers: MedGen CN379171.
Hereditary cancer-predisposing syndrome. Also called: Tumor predisposition; Neoplastic Syndromes, Hereditary; Hereditary Cancer Syndrome; Hereditary neoplastic syndrome. Identifiers: Orphanet 140162, MedGen C0027672, MeSH D009386, MONDO:0015356.
Neurofibromatosis, type 1 (NF1). Also called: Peripheral type neurofibromatosis; Neurofibromatosis, type I; NEUROFIBROMATOSIS, TYPE I, SOMATIC; VON RECKLINGHAUSEN DISEASE. Identifiers: Orphanet 636, MedGen C0027831, MONDO:0018975, OMIM 162200. Disease mechanism: loss of function.
Café-au-lait macules with pulmonary stenosis (WTSN). Also called: PULMONIC STENOSIS WITH CAFE-AU-LAIT SPOTS. Identifiers: MedGen C0553586, MONDO:0008672, OMIM 193520.
Neurofibromatosis-Noonan syndrome (NFNS). Also called: NEUROFIBROMATOSIS WITH NOONAN PHENOTYPE. Identifiers: Orphanet 638, MedGen C2931482, MONDO:0011035, OMIM 601321. Disease mechanism: loss of function.
Neurofibromatosis, familial spinal (FSNF). Identifiers: Orphanet 636, MedGen C1834235, MONDO:0008078, OMIM 162210. Disease mechanism: loss of function.
Juvenile myelomonocytic leukemia (JMML). Also called: LEUKEMIA, JUVENILE MYELOMONOCYTIC, SOMATIC. Identifiers: Orphanet 86834, MedGen C0349639, MONDO:0011908, OMIM 607785, HP:0012209.

Allele frequency attached by ClinVar (database versions not stated): TOPMed 0.00005; gnomAD 0.00006 and 0.00007; gnomAD exomes 0.00009 and 0.00010; ExAC 0.00012; ESP Exome Variant Server 0.00015.
gnomAD v4.1: 161 of 1,613,988 alleles (0.01%); highest among the groups gnomAD compares: Non-Finnish European, 0.013%; no homozygotes.

Submissions (14):

Myriad Genetics, Inc.
Classification: Benign for Neurofibromatosis, type 1. Last evaluated: 2026-05-20. Review status: criteria provided, single submitter. Criteria: Myriad Autosomal Dominant, Autosomal Recessive and X-Linked Classification Criteria (2023). Collection method: clinical testing. Allele origin: unknown.
Comment: This variant is considered benign. This variant is a silent/synonymous amino acid change and it is not expected to impact splicing.

Labcorp Genetics (formerly Invitae), Labcorp
Classification: Likely benign for Neurofibromatosis, type 1. Last evaluated: 2026-01-30. Review status: criteria provided, single submitter. Criteria: Invitae Variant Classification Sherloc (09022015). Collection method: clinical testing. Allele origin: germline.

Laboratory of Genetics, Children's Clinical University Hospital Latvia
Classification: Likely benign. Last evaluated: 2025-02-16. Review status: criteria provided, single submitter. Criteria: ACMG Guidelines, 2015. Collection method: clinical testing. Allele origin: germline. Affected: yes.

Department of Pathology and Laboratory Medicine, Sinai Health System
Classification: Uncertain significance for Neurofibromatosis, type 1; Neurofibromatosis, familial spinal; Café-au-lait macules with pulmonary stenosis; Neurofibromatosis-Noonan syndrome; Juvenile myelomonocytic leukemia. Last evaluated: 2024-05-02. Review status: criteria provided, single submitter. Criteria: ACMG Guidelines, 2015. Collection method: clinical testing. Allele origin: germline. Affected: yes.

Blueprint Genetics
Classification: Likely benign. Last evaluated: 2023-11-16. Review status: criteria provided, single submitter. Criteria: ACMG Guidelines, 2015. Collection method: clinical testing. Allele origin: germline.

Athena Diagnostics
Classification: Likely benign. Last evaluated: 2023-11-14. Review status: criteria provided, single submitter. Criteria: Athena Diagnostics Criteria. Collection method: clinical testing. Allele origin: unknown.

Women's Health and Genetics/Laboratory Corporation of America, LabCorp
Classification: Likely benign. Last evaluated: 2023-07-22. Review status: criteria provided, single submitter. Criteria: LabCorp Variant Classification Summary - May 2015. Collection method: clinical testing. Allele origin: germline.

CeGaT Center for Human Genetics Tuebingen
Classification: Likely benign. Last evaluated: 2022-07-01. Review status: criteria provided, single submitter. Criteria: CeGaT Center For Human Genetics Tuebingen Variant Classification Criteria Version 2. Collection method: clinical testing. Allele origin: germline. Affected: yes. Observed: 1 variant allele.
Comment: NF1: BP4, BP7

Genome-Nilou Lab
Classification: Likely benign for Neurofibromatosis, type 1. Last evaluated: 2022-03-15. Review status: criteria provided, single submitter. Criteria: ACMG Guidelines, 2015. Collection method: clinical testing. Allele origin: germline. Affected: no.

GeneDx
Classification: Likely benign. Last evaluated: 2021-08-22. Review status: criteria provided, single submitter. Criteria: GeneDx Variant Classification Process June 2021. Collection method: clinical testing. Allele origin: germline. Affected: yes.
Comment: This variant is associated with the following publications: (PMID: 28873162)

Sema4
Classification: Likely benign for Hereditary cancer-predisposing syndrome. Last evaluated: 2020-11-12. Review status: criteria provided, single submitter. Criteria: Sema4 Curation Guidelines. Collection method: curation. Allele origin: germline.

Ambry Genetics
Classification: Likely benign for Hereditary cancer-predisposing syndrome. Last evaluated: 2014-08-12. Review status: criteria provided, single submitter. Criteria: Ambry Autosomal Dominant and X-Linked criteria (10/2015). Collection method: clinical testing. Allele origin: germline. Observed: 1 variant allele.

PreventionGenetics, part of Exact Sciences
Classification: Likely benign for NF1-related condition. Last evaluated: 2023-06-20. Review status: no assertion criteria provided. Collection method: clinical testing. Allele origin: germline. Not counted in ClinVar's aggregate classification.
Comment: This variant is classified as likely benign based on ACMG/AMP sequence variant interpretation guidelines (Richards et al. 2015 PMID: 25741868, with internal and published modifications).

Dr. Peter K. Rogan Lab, Western University
No classification provided (evidence only). Condition: Acute myeloid leukemia. Review status: no classification provided. Collection method: in vitro. Allele origin: not applicable. Functional consequence: retained intron. Not counted in ClinVar's aggregate classification.

Literature cited by the submitters: PubMed 28873162 (cited by 3 submitters); PubMed 23460398 (cited by Women's Health and Genetics/Laboratory Corporation of America, LabCorp); PubMed 30008175 (cited by Sema4).

NM_001042492.3(NF1):c.3636C>A (p.Val1212=)

Gene: NF1 (neurofibromin 1; plus strand). Cytogenetic location: 17q11.2.
Variant type: single nucleotide variant.
Coding change: c.3636C>A on transcript NM_001042492.3 (MANE Select); coding-DNA position 3636, C replaced by A.
Protein change: p.Val1212=; no amino-acid change (valine 1212 retained).
Molecular consequence: synonymous variant.
Genome position (GRCh38, 1-based): chr17:31,233,141, C>A. VCF-style: chr17-31233141-C-A. GRCh37 (hg19) VCF-style: chr17-29560159-C-A.
Other names: c.3636C>A, p.Val1212= (NM_000267.4).
Identifiers: ClinVar variation 184274 (VCV000184274.45), dbSNP rs145126193, ClinGen allele CA188446.